The following is an entry in ClinVar:

ClinVar aggregate classification (germline): Uncertain significance (1 of 4 stars; one submission).

Submission:

Labcorp Genetics (formerly Invitae), Labcorp
Classification: Uncertain significance. Last evaluated: 2024-11-27. Review status: criteria provided, single submitter. Criteria: Invitae Variant Classification Sherloc (09022015). Collection method: clinical testing. Allele origin: germline.
Comment: This sequence change replaces arginine, which is basic and polar, with serine, which is neutral and polar, at codon 217 of the LTBP2 protein (p.Arg217Ser). This variant is not present in population databases (gnomAD no frequency). This variant has not been reported in the literature in individuals affected with LTBP2-related conditions. An algorithm developed to predict the effect of missense changes on protein structure and function (PolyPhen-2) suggests that this variant is likely to be disruptive. In summary, the available evidence is currently insufficient to determine the role of this variant in disease. Therefore, it has been classified as a Variant of Uncertain Significance.

NM_000428.3(LTBP2):c.649C>A (p.Arg217Ser)

Gene: LTBP2 (latent transforming growth factor beta binding protein 2; minus strand). Cytogenetic location: 14q24.3.
Variant type: single nucleotide variant.
Coding change: c.649C>A on transcript NM_000428.3 (MANE Select); coding-DNA position 649, C replaced by A.
Protein change: p.Arg217Ser; replaces arginine 217 with serine.
Molecular consequence: missense variant.
Genome position (GRCh38, 1-based): chr14:74,586,035, G>T on the plus strand (C>A on the coding strand, the complement: LTBP2 is on the minus strand). VCF-style: chr14-74586035-G-T. GRCh37 (hg19) VCF-style: chr14-75052738-G-T.
Other names: short protein forms R217S.
Identifiers: ClinVar variation 3726269 (VCV003726269.2).